The following is an entry in ClinVar:

ClinVar aggregate classification (germline): Uncertain significance. Review status: criteria provided, multiple submitters, no conflicts (2 of 4 stars). 3 submissions from 3 submitters: Uncertain significance (3). Last evaluated 2025-01-22.

Conditions:
Inborn genetic diseases. Identifiers: MedGen C0950123, MeSH D030342.
Intellectual developmental disorder, autosomal dominant 45. Also called: Intellectual disability, autosomal dominant 45; MENTAL RETARDATION, AUTOSOMAL DOMINANT 45. Identifiers: MedGen C4539848, MONDO:0030910, OMIM 617600.

Allele frequency attached by ClinVar (database versions not stated): gnomAD 0.00001; TOPMed 0.00001.
gnomAD v4.1: 9 of 1,613,550 alleles (0.00056%); highest among the groups gnomAD compares: Middle Eastern, 0.017%; no homozygotes.

Submissions (3):

Ambry Genetics
Classification: Uncertain significance for Inborn genetic diseases. Last evaluated: 2025-01-22. Review status: criteria provided, single submitter. Criteria: Ambry Variant Classification Scheme 2023. Collection method: clinical testing. Allele origin: germline.

CeGaT Center for Human Genetics Tuebingen
Classification: Uncertain significance. Last evaluated: 2024-06-01. Review status: criteria provided, single submitter. Criteria: CeGaT Center For Human Genetics Tuebingen Variant Classification Criteria Version 2. Collection method: clinical testing. Allele origin: germline. Affected: yes. Observed: 1 variant allele.

Foundation for Research in Genetics and Endocrinology, FRIGE's Institute of Human Genetics
Classification: Uncertain significance for Intellectual developmental disorder, autosomal dominant 45. Last evaluated: 2024-01-27. Review status: criteria provided, single submitter. Criteria: ACMG Guidelines, 2015. Collection method: clinical testing. Allele origin: germline. Inheritance: Autosomal dominant inheritance. Affected: yes. Observed: 1 heterozygote.
Comment: A heterozygous missense variant in exon 9 of the CIC gene that results in the amino acid substitution of Leucine for Phenylalanine at codon 1310 (p.Phe1310Leu) was detected. The p.Phe1310Leu variant has not been reported in the 1000 genomes databases and has a minor allele frequency of 0.001% in gnomAD (v3.1), gnomdAD (v2.1) and topmed database. The in silico prediction of the variant is damaging by PolyPhen-2 (HumDiv). The reference codon is conserved across species. In summary, the variant meets our criteria to be classified as variant of uncertain significance.

NM_001386298.1(CIC):c.3928T>C (p.Phe1310Leu)

Gene: CIC (capicua transcriptional repressor; plus strand). Cytogenetic location: 19q13.2.
Variant type: single nucleotide variant.
Coding change: c.3928T>C on transcript NM_001386298.1 (MANE Select); coding-DNA position 3928, T replaced by C.
Protein change: p.Phe1310Leu; replaces phenylalanine 1310 with leucine.
Molecular consequence: missense variant.
Genome position (GRCh38, 1-based): chr19:42,289,247, T>C. VCF-style: chr19-42289247-T-C. GRCh37 (hg19) VCF-style: chr19-42793399-T-C.
Other names: p.Phe1310Leu; c.3928T>C, p.Phe1310Leu (NM_001304815.2, NM_001379480.1, NM_001379482.1 and 1 more transcripts); c.1201T>C, p.Phe401Leu (NM_001379484.1, NM_001379485.1, NM_015125.5); c.1201T>C (NM_015125.3); short protein forms F1310L, F401L.
Identifiers: ClinVar variation 2690927 (VCV002690927.21), dbSNP rs752892028, ClinGen allele CA9471928.
Genomic context (GRCh38, chr19:42,289,247, plus strand): 5'-TCTGGCCCTGCATCGTACTCTGGCCCAAAGCCTTCTACCCAGTATGGAGCTCCAGGACCC[T>C]TTGCAGCCCCTGGTGAGGGAGGTGCCTTGGCGGCCACTGGGCGGCCCCCGCTGCTGCCCA-3'
Protein context (NP_001373227.1, residues 1300-1320): PSTQYGAPGP[Phe1310Leu]AAPGEGGALA